The following is an entry in ClinVar:

NM_001199107.2(TBC1D24):c.781G>C (p.Glu261Gln)

Gene: TBC1D24 (TBC1 domain family member 24; plus strand). Cytogenetic location: 16p13.3.
Variant type: single nucleotide variant.
Coding change: c.781G>C on transcript NM_001199107.2 (MANE Select); coding-DNA position 781, G replaced by C.
Protein change: p.Glu261Gln; replaces glutamic acid 261 with glutamine.
Molecular consequence: missense variant.
Genome position (GRCh38, 1-based): chr16:2,496,929, G>C. VCF-style: chr16-2496929-G-C. GRCh37 (hg19) VCF-style: chr16-2546930-G-C.
Other names: c.781G>C, p.Glu261Gln (NM_020705.3); short protein forms E261Q.
Identifiers: ClinVar variation 1000889 (VCV001000889.9), dbSNP rs2065747894, ClinGen allele CA394377294.
Genomic context (GRCh38, chr16:2,496,929, plus strand): 5'-TACCGCGTGGCGCTGGCCATCCTCAAGTTCTTCCACAAGGTGAGGGCCGGGCAGCCGCTG[G>C]AGTCGGACAGCGTGAAGCAGGACATCCGCACGTTCGTCAGAGACATCGCGAAGACGGTGT-3'
Protein context (NP_001186036.1, residues 251-271): FHKVRAGQPL[Glu261Gln]SDSVKQDIRT

ClinVar aggregate classification (germline): Uncertain significance (1 of 4 stars; one submission).

Conditions:
Developmental and epileptic encephalopathy, 1 (DEE1). Also called: X-linked infantile spasms; West's syndrome; Tonic spasms with clustering, arrest of psychomotor development and hypsarrhythmia on EEG; X-Linked Infantile Spasm Syndrome; OHTAHARA SYNDROME, X-LINKED; Epileptic encephalopathy, early infantile, 1. Identifiers: MedGen C3463992, MONDO:0010632, OMIM 308350. Disease mechanism: loss of function.
Autosomal dominant nonsyndromic hearing loss 65. Also called: Deafness, autosomal dominant 65; TBC1D24-Related Autosomal Dominant Nonsyndromic Hearing Loss (DFNA). Identifiers: Orphanet 90635, MedGen C3892048, MONDO:0014470, OMIM 616044.

Submission:

Labcorp Genetics (formerly Invitae), Labcorp
Classification: Uncertain significance for Developmental and epileptic encephalopathy, 1; Autosomal dominant nonsyndromic hearing loss 65. Last evaluated: 2020-10-15. Review status: criteria provided, single submitter. Criteria: Invitae Variant Classification Sherloc (09022015). Collection method: clinical testing. Allele origin: germline.
Comment: This variant is not present in population databases (ExAC no frequency). This sequence change replaces glutamic acid with glutamine at codon 261 of the TBC1D24 protein (p.Glu261Gln). The glutamic acid residue is moderately conserved and there is a small physicochemical difference between glutamic acid and glutamine. This variant has not been reported in the literature in individuals with TBC1D24-related conditions. Advanced modeling of protein sequence and biophysical properties (such as structural, functional, and spatial information, amino acid conservation, physicochemical variation, residue mobility, and thermodynamic stability) performed at Invitae indicates that this missense variant is not expected to disrupt TBC1D24 protein function. In summary, the available evidence is currently insufficient to determine the role of this variant in disease. Therefore, it has been classified as a Variant of Uncertain Significance.